The following is an entry in ClinVar:

ClinVar aggregate classification (germline): Likely benign. Review status: criteria provided, multiple submitters, no conflicts (2 of 4 stars). 2 submissions from 2 submitters: Likely benign (2). Last evaluated 2026-06-15.

Conditions:
Polyps, multiple and recurrent inflammatory fibroid, gastrointestinal. Identifiers: MedGen C5193005, MONDO:0008285, OMIM 175510.
Gastrointestinal stromal tumor. Also called: Gastrointestinal stroma tumor; Gastrointestinal stromal tumor, somatic. Identifiers: Orphanet 44890, MedGen C0238198, MeSH D046152, MONDO:0011719, OMIM 606764, HP:0100723.

Submissions (2):

Myriad Genetics, Inc.
Classification: Likely benign for Polyps, multiple and recurrent inflammatory fibroid, gastrointestinal. Last evaluated: 2026-06-15. Review status: criteria provided, single submitter. Criteria: Myriad Autosomal Dominant, Autosomal Recessive and X-Linked Classification Criteria (2023). Collection method: clinical testing. Allele origin: unknown.
Comment: This variant is considered likely benign. This variant is intronic and is not expected to impact mRNA splicing.

Labcorp Genetics (formerly Invitae), Labcorp
Classification: Likely benign for Gastrointestinal stromal tumor. Last evaluated: 2025-08-04. Review status: criteria provided, single submitter. Criteria: Invitae Variant Classification Sherloc (09022015). Collection method: clinical testing. Allele origin: germline.

NM_006206.6(PDGFRA):c.1653+8T>C

Gene: PDGFRA (platelet derived growth factor receptor alpha; plus strand). Cytogenetic location: 4q12.
Variant type: single nucleotide variant.
Coding change: c.1653+8T>C on transcript NM_006206.6 (MANE Select); 8 bases into the intron after coding-DNA position 1653, T replaced by C.
Molecular consequence: intron variant.
Genome position (GRCh38, 1-based): chr4:54,274,633, T>C. VCF-style: chr4-54274633-T-C. GRCh37 (hg19) VCF-style: chr4-55140800-T-C.
Other names: c.1728+8T>C (NM_001347828.2); c.1653+8T>C (NM_001347827.2, NM_001347829.2); c.1692+8T>C (NM_001347830.2).
Identifiers: ClinVar variation 1087859 (VCV001087859.10), dbSNP rs2110297198, ClinGen allele CA2499217250.